The following is an entry in ClinVar:

NM_001267550.2(TTN):c.14782C>T (p.Leu4928Phe)

Gene: TTN (titin; minus strand). Cytogenetic location: 2q31.2.
Variant type: single nucleotide variant.
Coding change: c.14782C>T on transcript NM_001267550.2 (MANE Select); coding-DNA position 14782, C replaced by T.
Protein change: p.Leu4928Phe; replaces leucine 4928 with phenylalanine.
Molecular consequence: missense variant. On other transcripts: intron variant (3).
Genome position (GRCh38, 1-based): chr2:178,735,664, G>A on the plus strand (C>T on the coding strand, the complement: TTN is on the minus strand). VCF-style: chr2-178735664-G-A. GRCh37 (hg19) VCF-style: chr2-179600391-G-A.
Other names: c.13831C>T, p.Leu4611Phe (NM_001256850.1); c.11050C>T, p.Leu3684Phe (NM_133378.4); c.13282+2418C>T (NM_003319.4); c.13858+2418C>T (NM_133437.4); c.13657+2418C>T (NM_133432.3); short protein forms L3684F, L4611F, L4928F.
Identifiers: ClinVar variation 1310535 (VCV001310535.26), dbSNP rs758924238, ClinGen allele CA2002347.

ClinVar aggregate classification (germline): Conflicting classifications of pathogenicity. Review status: criteria provided, conflicting classifications (1 of 4 stars). 4 submissions from 4 submitters: Uncertain significance (3); Likely benign (1). Last evaluated 2024-09-10.

Conditions:
Myopathy, myofibrillar, 9, with early respiratory failure (MFM9). Also called: MYOPATHY, PROXIMAL, WITH EARLY RESPIRATORY MUSCLE INVOLVEMENT; Myopathy, distal, with early respiratory failure, autosomal dominant; EDSTROM MYOPATHY; Hereditary myopathy with early respiratory failure. Identifiers: Orphanet 178464, Orphanet 34521, MedGen C1863599, MONDO:0011362, OMIM 603689.
Early-onset myopathy with fatal cardiomyopathy (CMYO5). Also called: CONGENITAL MYOPATHY 5 WITH CARDIOMYOPATHY; Salih Myopathy. Identifiers: Orphanet 289377, MedGen C2673677, MONDO:0012714, OMIM 611705. Disease mechanism: loss of function.
Dilated cardiomyopathy 1G (CMD1G). Identifiers: Orphanet 154, MedGen C1858763, MONDO:0011400, OMIM 604145.
Tibial muscular dystrophy (TMD). Also called: UDD MYOPATHY; Udd Distal Myopathy – Tibial Muscular Dystrophy; Tibial muscular dystrophy, tardive. Identifiers: Orphanet 609, MedGen C1838244, MONDO:0010870, OMIM 600334.
Hypertrophic cardiomyopathy 9. Also called: Familial hypertrophic cardiomyopathy 9. Identifiers: MedGen C1861065, MONDO:0013412, OMIM 613765.
Autosomal recessive limb-girdle muscular dystrophy type 2J (LGMDR10). Also called: MUSCULAR DYSTROPHY, LIMB-GIRDLE, AUTOSOMAL RECESSIVE 10; Limb-girdle muscular dystrophy, type 2J. Identifiers: Orphanet 140922, MedGen C1837342, MONDO:0012127, OMIM 608807.

Allele frequency attached by ClinVar (database versions not stated): gnomAD exomes below 0.00001 and 0.00001; ExAC 0.00001.
gnomAD v4.1: 5 of 1,613,776 alleles (0.00031%); highest among the groups gnomAD compares: Non-Finnish European, 0.00042%; no homozygotes.

Submissions (4):

Blueprint Genetics
Classification: Likely benign. Last evaluated: 2024-09-10. Review status: criteria provided, single submitter. Criteria: ACMG Guidelines, 2015. Collection method: clinical testing. Allele origin: germline.

CeGaT Center for Human Genetics Tuebingen
Classification: Uncertain significance. Last evaluated: 2024-02-01. Review status: criteria provided, single submitter. Criteria: CeGaT Center For Human Genetics Tuebingen Variant Classification Criteria Version 2. Collection method: clinical testing. Allele origin: germline. Affected: yes. Observed: 1 variant allele.
Comment: TTN: PM2, BP4

Fulgent Genetics
Classification: Uncertain significance for Tibial muscular dystrophy; Myopathy, myofibrillar, 9, with early respiratory failure; Dilated cardiomyopathy 1G; Autosomal recessive limb-girdle muscular dystrophy type 2J; Early-onset myopathy with fatal cardiomyopathy; Hypertrophic cardiomyopathy 9. Last evaluated: 2021-10-01. Review status: criteria provided, single submitter. Criteria: ACMG Guidelines, 2015. Collection method: clinical testing. Allele origin: unknown.

GeneDx
Classification: Uncertain significance. Last evaluated: 2019-11-25. Review status: criteria provided, single submitter. Criteria: GeneDx Variant Classification Process June 2021. Collection method: clinical testing. Allele origin: germline. Affected: yes.
Comment: Has not been previously published as pathogenic or benign to our knowledge; Not observed at a significant frequency in large population cohorts (Lek et al., 2016); Missense variant in a gene in which most reported pathogenic variants are truncating/loss-of-function